The following is an entry in ClinVar:

NM_001129.5(AEBP1):c.890C>T (p.Pro297Leu)

Gene: AEBP1 (AE binding protein 1; plus strand). Cytogenetic location: 7p13.
Variant type: single nucleotide variant.
Coding change: c.890C>T on transcript NM_001129.5 (MANE Select); coding-DNA position 890, C replaced by T.
Protein change: p.Pro297Leu; replaces proline 297 with leucine.
Molecular consequence: missense variant.
Genome position (GRCh38, 1-based): chr7:44,108,034, C>T. VCF-style: chr7-44108034-C-T. GRCh37 (hg19) VCF-style: chr7-44147633-C-T.
Other names: short protein forms P297L.
Identifiers: ClinVar variation 4687425 (VCV004687425.1).

ClinVar aggregate classification (germline): Uncertain significance (1 of 4 stars; one submission).

Submission:

Women's Health and Genetics/Laboratory Corporation of America, LabCorp
Classification: Uncertain significance. Last evaluated: 2025-10-09. Review status: criteria provided, single submitter. Criteria: LabCorp Variant Classification Summary - May 2015. Collection method: clinical testing. Allele origin: germline.
Comment: Variant summary: AEBP1 c.890C>T (p.Pro297Leu) results in a non-conservative amino acid change in the encoded protein sequence. Algorithms developed to predict the effect of missense changes on protein structure and function are either unavailable or do not agree on the potential impact of this missense change. The variant allele was found at a frequency of 1.8e-05 in 224572 control chromosomes. The available data on variant occurrences in the general population are insufficient to allow any conclusion about variant significance. To our knowledge, no occurrence of c.890C>T in individuals affected with AEBP1-related conditions and no experimental evidence demonstrating its impact on protein function have been reported. No submitters have cited clinical-significance assessments for this variant to ClinVar. Based on the evidence outlined above, the variant was classified as uncertain significance.